The following is an entry in ClinVar:

ClinVar aggregate classification (germline): Benign/Likely benign. Review status: criteria provided, multiple submitters, no conflicts (2 of 4 stars). 2 submissions from 2 submitters: Benign (1); Likely benign (1). Last evaluated 2025-12-21.

Conditions:
Birt-Hogg-Dube syndrome. Also called: Birt Hogg Dubé syndrome. Identifiers: Orphanet 122, MedGen C0346010, MONDO:0800444.
Birt-Hogg-Dube syndrome 1 (BHD1). Also called: FIBROFOLLICULOMAS WITH TRICHODISCOMAS AND ACROCHORDONS. Identifiers: Orphanet 122, MedGen CN375946, MONDO:0800445, OMIM 135150.

Submissions (2):

Labcorp Genetics (formerly Invitae), Labcorp
Classification: Likely benign for Birt-Hogg-Dube syndrome. Last evaluated: 2025-12-21. Review status: criteria provided, single submitter. Criteria: Invitae Variant Classification Sherloc (09022015). Collection method: clinical testing. Allele origin: germline.

Myriad Genetics, Inc.
Classification: Benign for Birt-Hogg-Dube syndrome 1. Last evaluated: 2024-10-23. Review status: criteria provided, single submitter. Criteria: Myriad Autosomal Dominant, Autosomal Recessive and X-Linked Classification Criteria (2023). Collection method: clinical testing. Allele origin: unknown.
Comment: This variant is considered benign. This variant is a silent/synonymous amino acid change and it is not expected to impact splicing.

NM_144997.7(FLCN):c.519C>T (p.Ile173=)

Gene: FLCN (folliculin; minus strand). Cytogenetic location: 17p11.2.
Variant type: single nucleotide variant.
Coding change: c.519C>T on transcript NM_144997.7 (MANE Select); coding-DNA position 519, C replaced by T.
Protein change: p.Ile173=; no amino-acid change (isoleucine 173 retained).
Molecular consequence: synonymous variant.
Genome position (GRCh38, 1-based): chr17:17,224,021, G>A on the plus strand (C>T on the coding strand, the complement: FLCN is on the minus strand). VCF-style: chr17-17224021-G-A. GRCh37 (hg19) VCF-style: chr17-17127335-G-A.
Other names: c.573C>T, p.Ile191= (NM_001353229.2); c.519C>T, p.Ile173= (NM_001353230.2, NM_001353231.2, NM_144606.7).
Identifiers: ClinVar variation 2724273 (VCV002724273.4), dbSNP rs2144976597, ClinGen allele CA498166186.
Genomic context (GRCh38, chr17:17,224,021, plus strand): 5'-GACCTTCCCCAGCAGGAAGGGCCAGGAGTTGATGAGGTAGATCCGGTCCATCATGATGGT[G>A]ATGATGCTGTACCAGCGCTGGAAGCCCCTGGCCAGGCTGTCCTTGATGAAGAAGGTGTGG-3'
Protein context (NP_659434.2, residues 163-183): ARGFQRWYSI[Ile173=]TIMMDRIYLI